The following is an entry in ClinVar:

NM_001083.4(PDE5A):c.1071T>A (p.Thr357=)

Gene: PDE5A (phosphodiesterase 5A; minus strand). Cytogenetic location: 4q26.
Variant type: single nucleotide variant.
Coding change: c.1071T>A on transcript NM_001083.4 (MANE Select); coding-DNA position 1071, T replaced by A.
Protein change: p.Thr357=; no amino-acid change (threonine 357 retained).
Molecular consequence: synonymous variant.
Genome position (GRCh38, 1-based): chr4:119,562,893, A>T on the plus strand (T>A on the coding strand, the complement: PDE5A is on the minus strand). VCF-style: chr4-119562893-A-T. GRCh37 (hg19) VCF-style: chr4-120484048-A-T.
Other names: c.945T>A, p.Thr315= (NM_033430.3); c.1071T>A, p.Thr357= (NM_033431.1); c.915T>A, p.Thr305= (NM_033437.4).
Identifiers: ClinVar variation 2655055 (VCV002655055.24), dbSNP rs202018090, ClinGen allele CA3060378.

ClinVar aggregate classification (germline): Likely benign (1 of 4 stars; one submission).

Allele frequency attached by ClinVar (database versions not stated): ESP Exome Variant Server 0.00008; gnomAD 0.00009; TOPMed 0.00009; ExAC 0.00012; gnomAD exomes 0.00014.
gnomAD v4.1: 212 of 1,601,030 alleles (0.013%); highest among the groups gnomAD compares: Non-Finnish European, 0.017%; no homozygotes.

Submission:

CeGaT Center for Human Genetics Tuebingen
Classification: Likely benign. Last evaluated: 2022-10-01. Review status: criteria provided, single submitter. Criteria: CeGaT Center For Human Genetics Tuebingen Variant Classification Criteria Version 2. Collection method: clinical testing. Allele origin: germline. Affected: yes. Observed: 1 variant allele.
Comment: PDE5A: BP4, BP7